The following is an entry in ClinVar:

ClinVar aggregate classification (germline): Pathogenic (1 of 4 stars; one submission).

Conditions:
LAMA2-related muscular dystrophy (LAMA2-RD). Also called: Laminin alpha 2-related dystrophy. Identifiers: MedGen C5679788, MONDO:0100228.

Submission:

Labcorp Genetics (formerly Invitae), Labcorp
Classification: Pathogenic for LAMA2-related muscular dystrophy. Last evaluated: 2024-05-10. Review status: criteria provided, single submitter. Criteria: Invitae Variant Classification Sherloc (09022015). Collection method: clinical testing. Allele origin: germline.
Comment: This sequence change creates a premature translational stop signal (p.Tyr2943*) in the LAMA2 gene. It is expected to result in an absent or disrupted protein product. Loss-of-function variants in LAMA2 are known to be pathogenic (PMID: 18700894, 32904964). This variant is not present in population databases (gnomAD no frequency). This variant has not been reported in the literature in individuals affected with LAMA2-related conditions. For these reasons, this variant has been classified as Pathogenic.

Literature cited by the submitters: PubMed 18700894; PubMed 32904964.

NM_000426.4(LAMA2):c.8829T>G (p.Tyr2943Ter)

Gene: LAMA2 (laminin subunit alpha 2; plus strand). Cytogenetic location: 6q22.33.
Variant type: single nucleotide variant.
Coding change: c.8829T>G on transcript NM_000426.4 (MANE Select); coding-DNA position 8829, T replaced by G.
Protein change: p.Tyr2943Ter; replaces tyrosine 2943 with a stop codon.
Molecular consequence: nonsense.
Genome position (GRCh38, 1-based): chr6:129,507,614, T>G. VCF-style: chr6-129507614-T-G. GRCh37 (hg19) VCF-style: chr6-129828759-T-G.
Other names: c.8817T>G, p.Tyr2939Ter (NM_001079823.2); short protein forms Y2939*, Y2943*.
Identifiers: ClinVar variation 3652943 (VCV003652943.2).